The following is an entry in ClinVar:

ClinVar aggregate classification (germline): Uncertain significance. Review status: criteria provided, multiple submitters, no conflicts (2 of 4 stars). 3 submissions from 3 submitters: Uncertain significance (3). Last evaluated 2026-03-25.

Conditions:
Jeune thoracic dystrophy. Also called: Jeune syndrome; Infantile thoracic dystrophy; Thoracic pelvic phalangeal dystrophy; Jeune's syndrome; Chondroectodermal dysplasia-like syndrome; Short-rib thoracic dysplasia. Identifiers: Orphanet 474, MedGen C0265275, MONDO:0018770.
Nephronophthisis. Also called: Juvenile Nephronophthisis. Identifiers: Orphanet 655, MedGen C0687120, MONDO:0019005, HP:0000090.
TTC21B-related disorder. Also called: TTC21B-related condition; TTC21B-related disorders.

gnomAD v4.1: 20 of 1,613,504 alleles (0.0012%); highest among the groups gnomAD compares: Middle Eastern, 0.017%; no homozygotes.

Submissions (3):

GeneDx
Classification: Uncertain significance. Last evaluated: 2026-03-25. Review status: criteria provided, single submitter. Criteria: GeneDx Variant Classification Process June 2021. Collection method: clinical testing. Allele origin: germline.
Comment: Not observed at significant frequency in large population cohorts (gnomAD); In silico analysis suggests that this missense variant does not alter protein structure/function; Has not been previously published as pathogenic or benign to our knowledge

PreventionGenetics, part of Exact Sciences
Classification: Uncertain significance for TTC21B-related condition. Last evaluated: 2025-04-21. Review status: criteria provided, single submitter. Criteria: ACMG Guidelines, 2015. Collection method: clinical testing. Allele origin: germline.
Comment: The TTC21B c.3935C>T variant is predicted to result in the amino acid substitution p.Ala1312Val. To our knowledge, this variant has not been reported in the literature. This variant is reported in 0.0029% of alleles in individuals of Latino descent in gnomAD. At this time, the clinical significance of this variant is uncertain due to the absence of conclusive functional and genetic evidence.

Labcorp Genetics (formerly Invitae), Labcorp
Classification: Uncertain significance for Jeune thoracic dystrophy; Nephronophthisis. Last evaluated: 2024-11-14. Review status: criteria provided, single submitter. Criteria: Invitae Variant Classification Sherloc (09022015). Collection method: clinical testing. Allele origin: germline.
Comment: This sequence change replaces alanine, which is neutral and non-polar, with valine, which is neutral and non-polar, at codon 1312 of the TTC21B protein (p.Ala1312Val). This variant is present in population databases (no rsID available, gnomAD 0.003%). This variant has not been reported in the literature in individuals affected with TTC21B-related conditions. ClinVar contains an entry for this variant (Variation ID: 2143880). Invitae Evidence Modeling of protein sequence and biophysical properties (such as structural, functional, and spatial information, amino acid conservation, physicochemical variation, residue mobility, and thermodynamic stability) indicates that this missense variant is not expected to disrupt TTC21B protein function with a negative predictive value of 95%. In summary, the available evidence is currently insufficient to determine the role of this variant in disease. Therefore, it has been classified as a Variant of Uncertain Significance.

NM_024753.5(TTC21B):c.3935C>T (p.Ala1312Val)

Gene: TTC21B (tetratricopeptide repeat domain 21B; minus strand). Cytogenetic location: 2q24.3.
Variant type: single nucleotide variant.
Coding change: c.3935C>T on transcript NM_024753.5 (MANE Select); coding-DNA position 3935, C replaced by T.
Protein change: p.Ala1312Val; replaces alanine 1312 with valine.
Molecular consequence: missense variant.
Genome position (GRCh38, 1-based): chr2:165,874,771, G>A on the plus strand (C>T on the coding strand, the complement: TTC21B is on the minus strand). VCF-style: chr2-165874771-G-A. GRCh37 (hg19) VCF-style: chr2-166731281-G-A.
Other names: c.3935C>T (NM_024753.4); short protein forms A1312V.
Identifiers: ClinVar variation 2143880 (VCV002143880.6), dbSNP rs967544495, ClinGen allele CA59763202.